The following is an entry in ClinVar:

NM_000302.4(PLOD1):c.1589G>A (p.Trp530Ter)

Gene: PLOD1 (procollagen-lysine,2-oxoglutarate 5-dioxygenase 1; plus strand). Cytogenetic location: 1p36.22.
Variant type: single nucleotide variant.
Coding change: c.1589G>A on transcript NM_000302.4 (MANE Select); coding-DNA position 1589, G replaced by A.
Protein change: p.Trp530Ter; replaces tryptophan 530 with a stop codon.
Molecular consequence: nonsense.
Genome position (GRCh38, 1-based): chr1:11,966,255, G>A. VCF-style: chr1-11966255-G-A. GRCh37 (hg19) VCF-style: chr1-12026312-G-A.
Other names: p.Trp530*; c.1730G>A, p.Trp577Ter (NM_001316320.2); short protein forms W530*, W577*.
Identifiers: ClinVar variation 3579974 (VCV003579974.2).
Genomic context (GRCh38, chr1:11,966,255, plus strand): 5'-ATCCCTGGCAGTTGAGCCAATGGTGAGGACCCTAGCCTGCTTCCCACTTCCCACAGGACT[G>A]GAAGGAGAAGTACATCCACCAGAACTACACCAAAGCCCTGGCAGGGAAGCTGGTGGAGAC-3'

ClinVar aggregate classification (germline): Likely pathogenic. Review status: criteria provided, multiple submitters, no conflicts (2 of 4 stars). 2 submissions from 2 submitters: Likely pathogenic (2). Last evaluated 2025-07-16.

Conditions:
Ehlers-Danlos syndrome, kyphoscoliotic type 1 (EDSKSCL1). Also called: EHLERS-DANLOS SYNDROME, TYPE VIA; Ehlers-Danlos syndrome, hydroxylysine-deficient; EHLERS-DANLOS SYNDROME, OCULAR-SCOLIOTIC TYPE; PLOD1-Related Kyphoscoliotic Ehlers-Danlos Syndrome. Identifiers: Orphanet 1900, MedGen C0268342, MONDO:0016002, OMIM 225400. Disease mechanism: loss of function.

gnomAD v4.1: 6 of 1,604,956 alleles (0.00037%); highest among the groups gnomAD compares: Non-Finnish European, 0.00051%; no homozygotes.

Submissions (2):

Mayo Clinic Laboratories, Mayo Clinic
Classification: Likely pathogenic. Last evaluated: 2025-07-16. Review status: criteria provided, single submitter. Criteria: ACMG Guidelines, 2015. Collection method: clinical testing. Allele origin: germline. Observed: 1 variant allele.
Comment: PM2_supporting, PVS1

Fulgent Genetics
Classification: Likely pathogenic for Ehlers-Danlos syndrome, kyphoscoliotic type 1. Last evaluated: 2024-06-13. Review status: criteria provided, single submitter. Criteria: ACMG Guidelines, 2015. Collection method: clinical testing. Allele origin: germline.